The following is an entry in ClinVar:

ClinVar aggregate classification (germline): Uncertain significance (1 of 4 stars; one submission).

Submission:

GeneDx
Classification: Uncertain significance. Last evaluated: 2024-03-12. Review status: criteria provided, single submitter. Criteria: GeneDx Variant Classification Process June 2021. Collection method: clinical testing. Allele origin: germline. Affected: yes.
Comment: Not observed at significant frequency in large population cohorts (gnomAD); In silico analysis supports that this missense variant has a deleterious effect on protein structure/function; Has not been previously published as pathogenic or benign to our knowledge

NM_001127178.3(PIGG):c.542C>T (p.Thr181Ile)

Gene: PIGG (phosphatidylinositol glycan anchor biosynthesis class G (EMM blood group); plus strand). Cytogenetic location: 4p16.3.
Variant type: single nucleotide variant.
Coding change: c.542C>T on transcript NM_001127178.3 (MANE Select); coding-DNA position 542, C replaced by T.
Protein change: p.Thr181Ile; replaces threonine 181 with isoleucine.
Molecular consequence: missense variant. On other transcripts: 5 prime UTR variant (4), non-coding transcript variant (10), intron variant (1).
Genome position (GRCh38, 1-based): chr4:505,899, C>T. VCF-style: chr4-505899-C-T. GRCh37 (hg19) VCF-style: chr4-499688-C-T.
Other names: c.275C>T, p.Thr92Ile (NM_001289051.2, NM_001289053.2, NM_001289057.2 and 2 more transcripts); c.176C>T, p.Thr59Ile (NM_001289055.2); c.-346C>T (NM_001345988.2); c.542C>T, p.Thr181Ile (NM_001345989.2, NM_017733.5); c.-1084C>T (NM_001345990.2); c.-946C>T (NM_001345991.2); c.-671C>T (NM_001345994.2); c.361-2930C>T (NM_001289052.2); short protein forms T181I, T59I, T92I.
Identifiers: ClinVar variation 3373716 (VCV003373716.1).